The following is an entry in ClinVar:

ClinVar aggregate classification (germline): Uncertain significance (1 of 4 stars; one submission).

Allele frequency attached by ClinVar (database versions not stated): ExAC 0.00001; gnomAD 0.00001; gnomAD exomes 0.00002.

Submission:

Labcorp Genetics (formerly Invitae), Labcorp
Classification: Uncertain significance. Last evaluated: 2025-10-13. Review status: criteria provided, single submitter. Criteria: Invitae Variant Classification Sherloc (09022015). Collection method: clinical testing. Allele origin: germline.
Comment: This sequence change affects codon 159 of the MYLK3 mRNA. It is a 'silent' change, meaning that it does not change the encoded amino acid sequence of the MYLK3 protein. This variant also falls at the last nucleotide of exon 1, which is part of the consensus splice site for this exon. This variant is present in population databases (rs765616042, gnomAD 0.004%). This variant has not been reported in the literature in individuals affected with MYLK3-related conditions. ClinVar contains an entry for this variant (Variation ID: 1496315). Variants that disrupt the consensus splice site are a relatively common cause of aberrant splicing (PMID: 17576681, 9536098). Algorithms developed to predict the effect of sequence changes on RNA splicing suggest that this variant may disrupt the consensus splice site. In summary, the available evidence is currently insufficient to determine the role of this variant in disease. Therefore, it has been classified as a Variant of Uncertain Significance.

Literature cited by the submitters: PubMed 17576681; PubMed 9536098.

NM_182493.3(MYLK3):c.477G>A (p.Glu159=)

Gene: MYLK3 (myosin light chain kinase 3; minus strand). Cytogenetic location: 16q11.2.
Variant type: single nucleotide variant.
Coding change: c.477G>A on transcript NM_182493.3 (MANE Select); coding-DNA position 477, G replaced by A.
Protein change: p.Glu159=; no amino-acid change (glutamic acid 159 retained).
Molecular consequence: synonymous variant. On other transcripts: intron variant (1).
Genome position (GRCh38, 1-based): chr16:46,747,717, C>T on the plus strand (G>A on the coding strand, the complement: MYLK3 is on the minus strand). VCF-style: chr16-46747717-C-T. GRCh37 (hg19) VCF-style: chr16-46781629-C-T.
Other names: c.-113-7570G>A (NM_001308301.1).
Identifiers: ClinVar variation 1496315 (VCV001496315.6), dbSNP rs765616042, ClinGen allele CA8038248.